The following is an entry in ClinVar:

ClinVar aggregate classification (germline): Uncertain significance (1 of 4 stars; one submission).

Conditions:
Inborn genetic diseases. Identifiers: MedGen C0950123, MeSH D030342.

gnomAD v4.1: 17 of 1,613,990 alleles (0.0011%); highest among the groups gnomAD compares: Non-Finnish European, 0.0014%; no homozygotes.

Submission:

Ambry Genetics
Classification: Uncertain significance for Inborn genetic diseases. Last evaluated: 2025-12-29. Review status: criteria provided, single submitter. Criteria: Ambry Variant Classification Scheme 2023. Collection method: clinical testing. Allele origin: germline.
Comment: The c.228G>T (p.E76D) alteration is located in exon 2 (coding exon 2) of the SOX5 gene. This alteration results from a G to T substitution at nucleotide position 228, causing the glutamic acid (E) at amino acid position 76 to be replaced by an aspartic acid (D). Based on data from gnomAD, the T allele has an overall frequency of <0.001% (1/282664) total alleles studied. The highest observed frequency was 0.004% (1/24968) of African alleles. Based on insufficient or conflicting evidence, the clinical significance of this alteration remains unclear.

NM_006940.6(SOX5):c.228G>T (p.Glu76Asp)

Gene: SOX5 (SRY-box transcription factor 5; minus strand). Cytogenetic location: 12p12.1.
Variant type: single nucleotide variant.
Coding change: c.228G>T on transcript NM_006940.6 (MANE Select); coding-DNA position 228, G replaced by T.
Protein change: p.Glu76Asp; replaces glutamic acid 76 with aspartic acid.
Molecular consequence: missense variant. On other transcripts: intron variant (1).
Genome position (GRCh38, 1-based): chr12:23,895,835, C>A on the plus strand (G>T on the coding strand, the complement: SOX5 is on the minus strand). VCF-style: chr12-23895835-C-A. GRCh37 (hg19) VCF-style: chr12-24048769-C-A.
Other names: c.189G>T, p.Glu63Asp (NM_001261414.3, NM_152989.5); c.198G>T, p.Glu66Asp (NM_001261415.3); c.165+63G>T (NM_001330785.2); short protein forms E63D, E66D, E76D.
Identifiers: ClinVar variation 4830660 (VCV004830660.1).